The following is an entry in ClinVar:

NM_007294.4(BRCA1):c.4953C>G (p.Ser1651=)

Gene: BRCA1 (BRCA1 DNA repair associated; minus strand). Cytogenetic location: 17q21.31.
Variant type: single nucleotide variant.
Coding change: c.4953C>G on transcript NM_007294.4 (MANE Select); coding-DNA position 4953, C replaced by G.
Protein change: p.Ser1651=; no amino-acid change (serine 1651 retained).
Molecular consequence: synonymous variant. On other transcripts: intron variant (1).
Genome position (GRCh38, 1-based): chr17:43,070,961, G>C on the plus strand (C>G on the coding strand, the complement: BRCA1 is on the minus strand). VCF-style: chr17-43070961-G-C. GRCh37 (hg19) VCF-style: chr17-41222978-G-C.
Other names: c.1377C>G, p.Ser459= (NM_001408504.1, NM_001408502.1, NM_001408503.1); c.1374C>G, p.Ser458= (NM_001408505.1); c.1317C>G, p.Ser439= (NM_001408506.1); c.1314C>G, p.Ser438= (NM_001408507.1); c.1305C>G, p.Ser435= (NM_001408508.1); c.1302C>G, p.Ser434= (NM_001408509.1); c.1263C>G, p.Ser421= (NM_001408510.1); c.1260C>G, p.Ser420= (NM_001408511.1); and 71 more.
Identifiers: ClinVar variation 865723 (VCV000865723.3), dbSNP rs2052365717, ClinGen allele CA500231577.

Conditions:
Breast-ovarian cancer, familial, susceptibility to, 1 (BROVCA1). Also called: BRCA1 Hereditary Breast and Ovarian Cancer; OVARIAN CANCER, SUSCEPTIBILITY TO. Identifiers: Orphanet 145, MedGen C2676676, MONDO:0011450, OMIM 604370. Disease mechanism: loss of function.

Submission:

Brotman Baty Institute, University of Washington
No classification provided (evidence only). Condition: Breast-ovarian cancer, familial 1. Review status: no classification provided. Collection method: in vitro. Allele origin: not applicable. Functional consequence: functionally_normal.
ClinVar note: "not provided" was previously submitted as the classification for the variant. However, the classification appeared to be based only on an observation of functional data so it was converted to no classification on 2025-07-30.